The following is an entry in ClinVar:

NM_174934.4(SCN4B):c.607G>A (p.Val203Met)

Gene: SCN4B (sodium voltage-gated channel beta subunit 4; minus strand). Cytogenetic location: 11q23.3.
Variant type: single nucleotide variant.
Coding change: c.607G>A on transcript NM_174934.4 (MANE Select); coding-DNA position 607, G replaced by A.
Protein change: p.Val203Met; replaces valine 203 with methionine.
Molecular consequence: missense variant. On other transcripts: non-coding transcript variant (1).
Genome position (GRCh38, 1-based): chr11:118,137,107, C>T on the plus strand (G>A on the coding strand, the complement: SCN4B is on the minus strand). VCF-style: chr11-118137107-C-T. GRCh37 (hg19) VCF-style: chr11-118007822-C-T.
Other names: c.205G>A, p.Val69Met (NM_001142348.2); c.277G>A, p.Val93Met (NM_001142349.2); short protein forms V203M, V69M, V93M.
Identifiers: ClinVar variation 191547 (VCV000191547.28), dbSNP rs150312046, ClinGen allele CA236970.

ClinVar aggregate classification (germline): Conflicting classifications of pathogenicity. Review status: criteria provided, conflicting classifications (1 of 4 stars). 7 submissions from 7 submitters: Uncertain significance (2); Likely benign (4). 1 of the submissions does not count toward it. Last evaluated 2026-01-04.

Conditions:
SCN4B-related disorder. Also called: SCN4B-related condition.
Cardiovascular phenotype. Identifiers: MedGen CN230736.
Long QT syndrome 10 (LQT10). Identifiers: Orphanet 101016, Orphanet 768, MedGen C2678484, MONDO:0012737, OMIM 611819.

Allele frequency attached by ClinVar (database versions not stated): TOPMed 0.00030; gnomAD 0.00031; ESP Exome Variant Server 0.00046; 1000 Genomes Project 30x 0.00094.
gnomAD v4.1: 97 of 1,613,096 alleles (0.006%); highest among the groups gnomAD compares: African/African-American, 0.1%; no homozygotes.

Submissions (7):

Labcorp Genetics (formerly Invitae), Labcorp
Classification: Likely benign for Long QT syndrome 10. Last evaluated: 2026-01-04. Review status: criteria provided, single submitter. Criteria: Invitae Variant Classification Sherloc (09022015). Collection method: clinical testing. Allele origin: germline.

Clinical Genomics Laboratory, Washington University in St. Louis
Classification: Uncertain significance for Long QT syndrome 10. Last evaluated: 2025-11-21. Review status: criteria provided, single submitter. Criteria: ACMG Guidelines, 2015. Collection method: clinical testing. Allele origin: germline.
Comment: The SCN4B c.607G>A (p.Val203Met) variant, to our knowledge, has not been reported in the medical literature, however has been reported in the ClinVar database (Variation ID: 191547) as a germline variant of uncertain significance by three submitters and likely benign by five submitters. This variant is observed in 39/282,706 alleles in the general population (gnomAD v2.1.1). Computational predictors are uncertain as to the impact of this variant on SCN4B function. Due to limited information, the clinical significance of this variant is uncertain.

GeneDx
Classification: Uncertain significance. Last evaluated: 2025-10-01. Review status: criteria provided, single submitter. Criteria: GeneDx Variant Classification Process June 2021. Collection method: clinical testing. Allele origin: germline. Affected: yes.
Comment: Has not been previously published in association with a SCN4B-related disorder to our knowledge; In silico analysis supports that this missense variant has a deleterious effect on protein structure/function; Variants in candidate genes are classified as variants of uncertain significance in accordance with ACMG guidelines (PMID: 25741868); This variant is associated with the following publications: (PMID: 23861362)

Women's Health and Genetics/Laboratory Corporation of America, LabCorp
Classification: Likely benign. Last evaluated: 2021-11-21. Review status: criteria provided, single submitter. Criteria: LabCorp Variant Classification Summary - May 2015. Collection method: clinical testing. Allele origin: germline.

Ambry Genetics
Classification: Likely benign for Cardiovascular phenotype. Last evaluated: 2018-10-16. Review status: criteria provided, single submitter. Criteria: Ambry Variant Classification Scheme 2023. Collection method: clinical testing. Allele origin: germline.

Biesecker Lab/Clinical Genomics Section, National Institutes of Health
Classification: Likely benign. Last evaluated: 2013-06-24. Review status: criteria provided, single submitter. Criteria: Ng et al. (Circ Cardiovasc Genet. 2013). Collection method: research. Allele origin: unknown. Observed: 1 variant allele. Study: ClinSeq.
Comment: The study set was not selected for affection status in relation to any cancer. Pathogenicity categories were based on literature curation. See Pubmed ID:23861362 for details.

Medical sequencing

PreventionGenetics, part of Exact Sciences
Classification: Likely benign for SCN4B-related condition. Last evaluated: 2022-06-02. Review status: no assertion criteria provided. Collection method: clinical testing. Allele origin: germline. Not counted in ClinVar's aggregate classification.
Comment: This variant is classified as likely benign based on ACMG/AMP sequence variant interpretation guidelines (Richards et al. 2015 PMID: 25741868, with internal and published modifications).

Literature cited by the submitters: PubMed 23861362 (cited by Ambry Genetics).